The following is an entry in ClinVar:

ClinVar aggregate classification (germline): Uncertain significance (1 of 4 stars; one submission).

gnomAD v4.1: 39 of 1,614,106 alleles (0.0024%); highest among the groups gnomAD compares: Admixed American, 0.0083%; no homozygotes.

Submission:

Labcorp Genetics (formerly Invitae), Labcorp
Classification: Uncertain significance. Last evaluated: 2025-04-27. Review status: criteria provided, single submitter. Criteria: Invitae Variant Classification Sherloc (09022015). Collection method: clinical testing. Allele origin: germline.
Comment: This sequence change replaces arginine, which is basic and polar, with tryptophan, which is neutral and slightly polar, at codon 59 of the LAMA1 protein (p.Arg59Trp). This variant is present in population databases (rs745969754, gnomAD 0.01%). This variant has not been reported in the literature in individuals affected with LAMA1-related conditions. An algorithm developed to predict the effect of missense changes on protein structure and function (PolyPhen-2) suggests that this variant is likely to be disruptive. In summary, the available evidence is currently insufficient to determine the role of this variant in disease. Therefore, it has been classified as a Variant of Uncertain Significance.

NM_005559.4(LAMA1):c.175C>T (p.Arg59Trp)

Gene: LAMA1 (laminin subunit alpha 1; minus strand). Cytogenetic location: 18p11.31.
Variant type: single nucleotide variant.
Coding change: c.175C>T on transcript NM_005559.4 (MANE Select); coding-DNA position 175, C replaced by T.
Protein change: p.Arg59Trp; replaces arginine 59 with tryptophan.
Molecular consequence: missense variant.
Genome position (GRCh38, 1-based): chr18:7,080,344, G>A on the plus strand (C>T on the coding strand, the complement: LAMA1 is on the minus strand). VCF-style: chr18-7080344-G-A. GRCh37 (hg19) VCF-style: chr18-7080343-G-A.
Other names: short protein forms R59W.
Identifiers: ClinVar variation 4803504 (VCV004803504.1).
Genomic context (GRCh38, chr18:7,080,344, plus strand): 5'-TGCCTCTGGGGTTTGCGCTGTTGCCATCACAGATCCGGCACTGTGGGTTTCGGACGGGCC[G>A]ACCTGGCACATGCTCCACAAGTTTGCAGAACATCTCCGGCCCCTTCTCGCCACAGGTGGC-3'
Protein context (NP_005550.2, residues 49-69): FCKLVEHVPG[Arg59Trp]PVRNPQCRIC